The following is an entry in ClinVar:

ClinVar aggregate classification (germline): Pathogenic (1 of 4 stars; one submission).

Submission:

GeneDx
Classification: Pathogenic. Last evaluated: 2023-01-06. Review status: criteria provided, single submitter. Criteria: GeneDx Variant Classification Process June 2021. Collection method: clinical testing. Allele origin: germline. Affected: yes.
Comment: Frameshift variant predicted to result in protein truncation or nonsense mediated decay in a gene for which loss of function is a known mechanism of disease; Not observed at significant frequency in large population cohorts (gnomAD); This variant is associated with the following publications: (PMID: 26661695)

NM_001368894.2(PAX6):c.844_848del (p.Glu282fs)

Gene: PAX6 (paired box 6; minus strand). Cytogenetic location: 11p13.
Variant type: Microsatellite.
Coding change: c.844_848del on transcript NM_001368894.2 (MANE Select); coding-DNA positions 844 to 848, 5 bases deleted (GAAGA; older notation c.844_848delGAAGA).
Protein change: p.Glu282fs; shifts the reading frame from glutamic acid 282.
Molecular consequence: frameshift variant. On other transcripts: non-coding transcript variant (2).
Genome position (GRCh38, 1-based): chr11:31,793,762-31,793,766, TCTTC deleted on the plus strand (GAAGA on the coding strand, the reverse complement: PAX6 is on the minus strand); deleting any 5 consecutive bases within chr11:31,793,762-31,793,773 gives the same sequence; the c. name uses the placement nearest the transcript's 3' end. VCF-style (leftmost placement, unchanged base first): chr11-31793761-TTCTTC-T. GRCh37 (hg19) VCF-style: chr11-31815309-TTCTTC-T.
Other names: c.802_806del, p.Glu268fs (NM_001127612.3, NM_001258464.2, NM_001258465.3 and 10 more transcripts); c.844_848del, p.Glu282fs (NM_001258462.3, NM_001258463.2, NM_001310158.2 and 6 more transcripts); c.394_398del, p.Glu132fs (NM_001368899.2, NM_001368900.2, NM_001368901.2 and 11 more transcripts); c.795_799GAGAA[1], p.Glu268Lysfs (NM_000280.3); c.1045_1049del, p.Glu349fs (NM_001368910.2); c.847_851del, p.Glu283fs (NM_001368911.2); c.919_923del, p.Glu307fs (NM_001368918.2, NM_001368919.2); c.877_881del, p.Glu293fs (NM_001368920.2); and 4 more; short protein forms E132fs, E268fs, E282fs, E67fs, E283fs, E349fs, E201fs, E215fs.
Identifiers: ClinVar variation 1810585 (VCV001810585.1), dbSNP rs2495115392, ClinGen allele CA2580615653.
Genomic context (GRCh38, chr11:31,793,761, plus strand): 5'-ACTGCTGATAGGAATATGACTAGGTGTGTTGCTGGCCTGTCTTCTCTGATTCCTCAGTTT[TTCTTC>T]TCTTCTCCATTTGGCCCTTCGATTAGAAAACCATACCTGGAAATCAGGTGGGACAGGTTA-3'